The following is an entry in ClinVar:

ClinVar aggregate classification (germline): Likely pathogenic (1 of 4 stars; one submission).

Submission:

GeneDx
Classification: Likely pathogenic. Last evaluated: 2020-01-21. Review status: criteria provided, single submitter. Criteria: GeneDx Variant Classification Process June 2021. Collection method: clinical testing. Allele origin: germline. Affected: yes.
Comment: Canonical splice site variant predicted to result in an in-frame deletion of a critical region; Not observed at a significant frequency in large population cohorts (Lek et al., 2016); Has not been previously published as pathogenic or benign to our knowledge

NM_024854.5(PYROXD1):c.1254+1del

Gene: PYROXD1 (pyridine nucleotide-disulphide oxidoreductase domain 1; plus strand). Cytogenetic location: 12p12.1.
Variant type: Deletion.
Coding change: c.1254+1del on transcript NM_024854.5 (MANE Select); the canonical splice donor site of the intron after coding-DNA position 1254, one base deleted (G; older notation c.1254+1delG).
Molecular consequence: splice donor variant.
Genome position (GRCh38, 1-based): chr12:21,467,619, G deleted; the last of 2 consecutive G bases (chr12:21,467,618-21,467,619); deleting either gives the same sequence. VCF-style (leftmost placement, unchanged base first): chr12-21467617-AG-A. GRCh37 (hg19) VCF-style: chr12-21620551-AG-A.
Other names: c.477+1del (NM_001350913.2); c.1041+1del (NM_001350912.2).
Identifiers: ClinVar variation 1220425 (VCV001220425.3), dbSNP rs1404554956, ClinGen allele CA603670702.
Genomic context (GRCh38, chr12:21,467,617, plus strand): 5'-CTATTGACATGGATTTCAGCTTTGAACTGTTTGCTCATGTGACAAAATTTTTTAACTATA[AG>A]GTAAGATAGTTAAGCATATTAATGCCTTCTCTGCTTGTTAGTCTTATGACTATGATAAAT-3'